The following is an entry in ClinVar:

NM_001382391.1(CSPP1):c.659T>C (p.Leu220Pro)

Gene: CSPP1 (centrosome and spindle pole associated protein 1; plus strand). Cytogenetic location: 8q13.1.
Variant type: single nucleotide variant.
Coding change: c.659T>C on transcript NM_001382391.1 (MANE Select); coding-DNA position 659, T replaced by C.
Protein change: p.Leu220Pro; replaces leucine 220 with proline.
Molecular consequence: missense variant. On other transcripts: 5 prime UTR variant (1).
Genome position (GRCh38, 1-based): chr8:67,095,468, T>C. VCF-style: chr8-67095468-T-C. GRCh37 (hg19) VCF-style: chr8-68007703-T-C.
Other names: c.-197T>C (NM_001291339.2); c.578T>C, p.Leu193Pro (NM_001363131.2, NM_001363133.2); c.659T>C, p.Leu220Pro (NM_001363132.2); c.767T>C, p.Leu256Pro (NM_001364869.1); c.686T>C, p.Leu229Pro (NM_001364870.1, NM_024790.7); short protein forms L220P, L256P, L193P, L229P.
Identifiers: ClinVar variation 1363031 (VCV001363031.6), dbSNP rs1339065259, ClinGen allele CA371190751.

ClinVar aggregate classification (germline): Uncertain significance (1 of 4 stars; one submission).

Conditions:
Joubert syndrome 21 (JBTS21). Identifiers: MedGen C3810212, MONDO:0014288, OMIM 615636.

Allele frequency attached by ClinVar (database versions not stated): gnomAD exomes below 0.00001; gnomAD 0.00001; TOPMed 0.00001.
gnomAD v4.1: 3 of 1,613,184 alleles (0.00019%); highest among the groups gnomAD compares: Non-Finnish European, 0.00025%; no homozygotes.

Submission:

Labcorp Genetics (formerly Invitae), Labcorp
Classification: Uncertain significance for Joubert syndrome 21. Last evaluated: 2021-11-26. Review status: criteria provided, single submitter. Criteria: Invitae Variant Classification Sherloc (09022015). Collection method: clinical testing. Allele origin: germline.
Comment: This variant is not present in population databases (gnomAD no frequency). In summary, the available evidence is currently insufficient to determine the role of this variant in disease. Therefore, it has been classified as a Variant of Uncertain Significance. Algorithms developed to predict the effect of missense changes on protein structure and function are either unavailable or do not agree on the potential impact of this missense change (SIFT: "Deleterious"; PolyPhen-2: "Probably Damaging"; Align-GVGD: "Class C0"). This variant has not been reported in the literature in individuals affected with CSPP1-related conditions. This sequence change replaces leucine, which is neutral and non-polar, with proline, which is neutral and non-polar, at codon 229 of the CSPP1 protein (p.Leu229Pro).